The following is an entry in ClinVar:

ClinVar aggregate classification (germline): Uncertain significance. Review status: criteria provided, multiple submitters, no conflicts (2 of 4 stars). 3 submissions from 3 submitters: Uncertain significance (3). Last evaluated 2023-04-11.

Conditions:
Inborn genetic diseases. Identifiers: MedGen C0950123, MeSH D030342.
Developmental and epileptic encephalopathy, 18 (DEE18). Also called: Early infantile epileptic encephalopathy 18. Identifiers: Orphanet 369894, MedGen C3809624, MONDO:0014201, OMIM 615476.

Allele frequency attached by ClinVar (database versions not stated): gnomAD exomes below 0.00001.
gnomAD v4.1: 1 of 1,614,200 alleles (0.000062%); highest among the groups gnomAD compares: Non-Finnish European, 0.000085%; no homozygotes.

Submissions (3):

Genome-Nilou Lab
Classification: Uncertain significance for Developmental and epileptic encephalopathy, 18. Last evaluated: 2023-04-11. Review status: criteria provided, single submitter. Criteria: ACMG Guidelines, 2015. Collection method: clinical testing. Allele origin: germline. Affected: no.

Labcorp Genetics (formerly Invitae), Labcorp
Classification: Uncertain significance. Last evaluated: 2020-04-17. Review status: criteria provided, single submitter. Criteria: Invitae Variant Classification Sherloc (09022015). Collection method: clinical testing. Allele origin: germline.
Comment: This variant has not been reported in the literature in individuals with SZT2-related conditions. This variant is not present in population databases (ExAC no frequency). This sequence change replaces leucine with proline at codon 2189 of the SZT2 protein (p.Leu2189Pro). The leucine residue is highly conserved and there is a moderate physicochemical difference between leucine and proline. In summary, the available evidence is currently insufficient to determine the role of this variant in disease. Therefore, it has been classified as a Variant of Uncertain Significance. Algorithms developed to predict the effect of missense changes on protein structure and function are either unavailable or do not agree on the potential impact of this missense change (SIFT: "Tolerated"; PolyPhen-2: "Probably Damaging"; Align-GVGD: "Class C0").

Ambry Genetics
Classification: Uncertain significance for Inborn genetic diseases. Last evaluated: 2017-02-22. Review status: criteria provided, single submitter. Criteria: Ambry exome assertion method (8-5-2015). Collection method: clinical testing. Allele origin: germline. Affected: yes. Observed: 1 variant allele.

NM_001365999.1(SZT2):c.6737T>C (p.Leu2246Pro)

Gene: SZT2 (SZT2 subunit of KICSTOR complex; plus strand). Cytogenetic location: 1p34.2.
Variant type: single nucleotide variant.
Coding change: c.6737T>C on transcript NM_001365999.1 (MANE Select); coding-DNA position 6737, T replaced by C.
Protein change: p.Leu2246Pro; replaces leucine 2246 with proline.
Molecular consequence: missense variant.
Genome position (GRCh38, 1-based): chr1:43,439,038, T>C. VCF-style: chr1-43439038-T-C. GRCh37 (hg19) VCF-style: chr1-43904709-T-C.
Other names: c.6566T>C, p.Leu2189Pro (NM_015284.4); short protein forms L2189P, L2246P.
Identifiers: ClinVar variation 985901 (VCV000985901.10), dbSNP rs1654766541, ClinGen allele CA340031967.